The following is an entry in ClinVar:

NM_006206.6(PDGFRA):c.2825C>T (p.Ser942Phe)

Gene: PDGFRA (platelet derived growth factor receptor alpha; plus strand). Cytogenetic location: 4q12.
Variant type: single nucleotide variant.
Coding change: c.2825C>T on transcript NM_006206.6 (MANE Select); coding-DNA position 2825, C replaced by T.
Protein change: p.Ser942Phe; replaces serine 942 with phenylalanine.
Molecular consequence: missense variant.
Genome position (GRCh38, 1-based): chr4:54,289,059, C>T. VCF-style: chr4-54289059-C-T. GRCh37 (hg19) VCF-style: chr4-55155226-C-T.
Other names: c.2900C>T, p.Ser967Phe (NM_001347828.2); c.2825C>T, p.Ser942Phe (NM_001347829.2); c.2864C>T, p.Ser955Phe (NM_001347830.2); short protein forms S942F, S955F, S967F.
Identifiers: ClinVar variation 2792736 (VCV002792736.3), dbSNP rs2110345858, ClinGen allele CA356895764.

ClinVar aggregate classification (germline): Uncertain significance. Review status: criteria provided, multiple submitters, no conflicts (2 of 4 stars). 2 submissions from 2 submitters: Uncertain significance (2). Last evaluated 2025-10-22.

Conditions:
Gastrointestinal stromal tumor. Also called: Gastrointestinal stromal tumor, somatic; Gastrointestinal stroma tumor. Identifiers: Orphanet 44890, MedGen C0238198, MeSH D046152, MONDO:0011719, OMIM 606764, HP:0100723.
Hereditary cancer-predisposing syndrome. Also called: Neoplastic Syndromes, Hereditary; Tumor predisposition; Hereditary Cancer Syndrome; Hereditary neoplastic syndrome. Identifiers: Orphanet 140162, MedGen C0027672, MeSH D009386, MONDO:0015356.

Submissions (2):

Ambry Genetics
Classification: Uncertain significance for Hereditary cancer-predisposing syndrome. Last evaluated: 2025-10-22. Review status: criteria provided, single submitter. Criteria: Ambry Variant Classification Scheme 2023. Collection method: clinical testing. Allele origin: germline.
Comment: The p.S942F variant (also known as c.2825C>T), located in coding exon 20 of the PDGFRA gene, results from a C to T substitution at nucleotide position 2825. The serine at codon 942 is replaced by phenylalanine, an amino acid with highly dissimilar properties. This amino acid position is conserved. In addition, the in silico prediction for this alteration is inconclusive. Based on the available evidence, the clinical significance of this variant remains unclear.

Labcorp Genetics (formerly Invitae), Labcorp
Classification: Uncertain significance for Gastrointestinal stromal tumor. Last evaluated: 2023-09-21. Review status: criteria provided, single submitter. Criteria: Invitae Variant Classification Sherloc (09022015). Collection method: clinical testing. Allele origin: germline.
Comment: In summary, the available evidence is currently insufficient to determine the role of this variant in disease. Therefore, it has been classified as a Variant of Uncertain Significance. Advanced modeling of protein sequence and biophysical properties (such as structural, functional, and spatial information, amino acid conservation, physicochemical variation, residue mobility, and thermodynamic stability) performed at Invitae indicates that this missense variant is not expected to disrupt PDGFRA protein function. This variant has not been reported in the literature in individuals affected with PDGFRA-related conditions. This variant is not present in population databases (gnomAD no frequency). This sequence change replaces serine, which is neutral and polar, with phenylalanine, which is neutral and non-polar, at codon 942 of the PDGFRA protein (p.Ser942Phe).